The following is an entry in ClinVar:

ClinVar aggregate classification (germline): Uncertain significance (1 of 4 stars; one submission).

Conditions:
Hereditary cancer-predisposing syndrome. Also called: Neoplastic Syndromes, Hereditary; Tumor predisposition; Hereditary Cancer Syndrome; Hereditary neoplastic syndrome. Identifiers: Orphanet 140162, MedGen C0027672, MeSH D009386, MONDO:0015356.

Submission:

Ambry Genetics
Classification: Uncertain significance for Hereditary cancer-predisposing syndrome. Last evaluated: 2025-08-31. Review status: criteria provided, single submitter. Criteria: Ambry Variant Classification Scheme 2023. Collection method: clinical testing. Allele origin: germline.
Comment: The p.T196S variant (also known as c.587C>G), located in coding exon 4 of the SUFU gene, results from a C to G substitution at nucleotide position 587. The threonine at codon 196 is replaced by serine, an amino acid with similar properties. This amino acid position is conserved. In addition, this alteration is predicted to be tolerated by in silico analysis. Based on the available evidence, the clinical significance of this variant remains unclear.

NM_016169.4(SUFU):c.587C>G (p.Thr196Ser)

Gene: SUFU (SUFU negative regulator of hedgehog signaling; plus strand). Cytogenetic location: 10q24.32.
Variant type: single nucleotide variant.
Coding change: c.587C>G on transcript NM_016169.4 (MANE Select); coding-DNA position 587, C replaced by G.
Protein change: p.Thr196Ser; replaces threonine 196 with serine.
Molecular consequence: missense variant.
Genome position (GRCh38, 1-based): chr10:102,592,714, C>G. VCF-style: chr10-102592714-C-G. GRCh37 (hg19) VCF-style: chr10-104352471-C-G.
Other names: c.587C>G, p.Thr196Ser (NM_001178133.2); short protein forms T196S.
Identifiers: ClinVar variation 4177560 (VCV004177560.1).